The following is an entry in ClinVar:

NM_000059.4(BRCA2):c.8066G>C (p.Cys2689Ser)

Gene: BRCA2 (BRCA2 DNA repair associated; plus strand). Cytogenetic location: 13q13.1.
Variant type: single nucleotide variant.
Coding change: c.8066G>C on transcript NM_000059.4 (MANE Select); coding-DNA position 8066, G replaced by C.
Protein change: p.Cys2689Ser; replaces cysteine 2689 with serine.
Molecular consequence: missense variant.
Genome position (GRCh38, 1-based): chr13:32,363,268, G>C. VCF-style: chr13-32363268-G-C. GRCh37 (hg19) VCF-style: chr13-32937405-G-C.
Other names: c.7970G>C, p.Cys2657Ser (NM_001406719.1); c.8066G>C, p.Cys2689Ser (NM_001406720.1); c.3134G>C, p.Cys1045Ser (NM_001406721.1); c.1649G>C, p.Cys550Ser (NM_001406722.1); short protein forms C2657S, C1045S, C2689S, C550S.
Identifiers: ClinVar variation 1761855 (VCV001761855.2), dbSNP rs1566245389, ClinGen allele CA387749134.

ClinVar aggregate classification (germline): Uncertain significance (1 of 4 stars; one submission).

Conditions:
Hereditary cancer-predisposing syndrome. Also called: Neoplastic Syndromes, Hereditary; Tumor predisposition; Hereditary Cancer Syndrome; Hereditary neoplastic syndrome. Identifiers: Orphanet 140162, MedGen C0027672, MeSH D009386, MONDO:0015356.

Submission:

Ambry Genetics
Classification: Uncertain significance for Hereditary cancer-predisposing syndrome. Last evaluated: 2020-11-17. Review status: criteria provided, single submitter. Criteria: Ambry Variant Classification Scheme 2023. Collection method: clinical testing. Allele origin: germline.
Comment: The p.C2689S variant (also known as c.8066G>C), located in coding exon 17 of the BRCA2 gene, results from a G to C substitution at nucleotide position 8066. The cysteine at codon 2689 is replaced by serine, an amino acid with dissimilar properties. This amino acid position is highly conserved in available vertebrate species. In addition, this alteration is predicted to be deleterious by in silico analysis. Since supporting evidence is limited at this time, the clinical significance of this alteration remains unclear.